The following is an entry in ClinVar:

ClinVar aggregate classification (germline): Conflicting classifications of pathogenicity. Review status: criteria provided, conflicting classifications (1 of 4 stars). 5 submissions from 5 submitters: Uncertain significance (3); Likely benign (2). Last evaluated 2024-10-28.

Conditions:
Cardiomyopathy (CMYO). Also called: Cardiomyopathies. Identifiers: Orphanet 167848, MedGen C0878544, MONDO:0004994, HP:0001638. Inheritance: Various modes of inheritance.

Allele frequency attached by ClinVar (database versions not stated): ExAC 0.00002; gnomAD exomes 0.00003 and 0.00012; TOPMed 0.00004; gnomAD 0.00005; ESP Exome Variant Server 0.00008.
gnomAD v4.1: 179 of 1,613,804 alleles (0.011%); highest among the groups gnomAD compares: Non-Finnish European, 0.012%; no homozygotes.

Submissions (5):

Blueprint Genetics
Classification: Likely benign. Last evaluated: 2024-10-28. Review status: criteria provided, single submitter. Criteria: ACMG Guidelines, 2015. Collection method: clinical testing. Allele origin: germline.

CHEO Genetics Diagnostic Laboratory, Children's Hospital of Eastern Ontario
Classification: Uncertain significance for Cardiomyopathy. Last evaluated: 2021-10-22. Review status: criteria provided, single submitter. Criteria: ACMG Guidelines, 2015. Collection method: clinical testing. Allele origin: germline.

GeneDx
Classification: Likely benign. Last evaluated: 2021-08-06. Review status: criteria provided, single submitter. Criteria: GeneDx Variant Classification Process June 2021. Collection method: clinical testing. Allele origin: germline. Affected: yes.

Revvity Omics, Revvity
Classification: Uncertain significance. Last evaluated: 2019-10-18. Review status: criteria provided, single submitter. Criteria: ACMG Guidelines, 2015. Collection method: clinical testing. Allele origin: germline.

Laboratory for Molecular Medicine, Mass General Brigham Personalized Medicine
Classification: Uncertain significance. Last evaluated: 2015-03-04. Review status: criteria provided, single submitter. Criteria: LMM Criteria. Collection method: clinical testing. Allele origin: germline. Observed: 1 variant allele.
Comment: The p.Thr32799Met variant in TTN has not been previously reported in individuals with cardiomyopathy, but has been identified in 1/16510 South Asian chromosomes by the Exome Aggregation Consortium (ExAC; dbSN P rs377056111). Computational prediction tools and conservation analysis does no t provide strong evidence for or against an impact the protein. In summary, the clinical significance of the p.Thr32799Met variant is uncertain.

NM_001267550.2(TTN):c.106100C>T (p.Thr35367Met)

Genes: TTN (titin; minus strand), TTN-AS1 (TTN antisense RNA 1; plus strand), LOC129935182 (ATAC-STARR-seq lymphoblastoid active region 16807; plus strand). Cytogenetic location: 2q31.2.
Variant type: single nucleotide variant.
Coding change: c.106100C>T on transcript NM_001267550.2 (MANE Select); coding-DNA position 106100, C replaced by T.
Protein change: p.Thr35367Met; replaces threonine 35367 with methionine.
Molecular consequence: missense variant.
Genome position (GRCh38, 1-based): chr2:178,530,515, G>A on the plus strand (C>T on the coding strand, the complement: TTN is on the minus strand). VCF-style: chr2-178530515-G-A. GRCh37 (hg19) VCF-style: chr2-179395242-G-A.
Other names: c.98396C>T, p.Thr32799Met (NM_133378.4); c.101177C>T, p.Thr33726Met (NM_001256850.1); c.78905C>T, p.Thr26302Met (NM_003319.4); c.79280C>T, p.Thr26427Met (NM_133432.3); c.79481C>T, p.Thr26494Met (NM_133437.4); short protein forms T32799M, T35367M, T26494M, T33726M, T26302M, T26427M.
Identifiers: ClinVar variation 229571 (VCV000229571.13), dbSNP rs377056111, ClinGen allele CA1985165.